The following is an entry in ClinVar:

NM_007269.4(STXBP3):c.1029+1_1029+5del

Gene: STXBP3 (syntaxin binding protein 3; plus strand). Cytogenetic location: 1p13.3.
Variant type: Deletion.
Coding change: c.1029+1_1029+5del on transcript NM_007269.4 (MANE Select); the canonical splice donor site of the intron after coding-DNA position 1029 through 5 bases into the intron after coding-DNA position 1029, 5 bases deleted (GTAAG; older notation c.1029+1_1029+5delGTAAG).
Molecular consequence: splice donor variant.
Genome position (GRCh38, 1-based): chr1:108,793,648-108,793,652, GTAAG deleted; deleting any 5 consecutive bases within chr1:108,793,644-108,793,652 gives the same sequence; the c. name uses the placement nearest the transcript's 3' end. VCF-style (leftmost placement, unchanged base first): chr1-108793643-CTAAGG-C. GRCh37 (hg19) VCF-style: chr1-109336265-CTAAGG-C.
Identifiers: ClinVar variation 3378407 (VCV003378407.2).
Genomic context (GRCh38, chr1:108,793,643, plus strand): 5'-CATCACTTAGTGCTCTTACCCAGCTGATGAAAAAGATGCCCCATTTCCGAAAACAGATTA[CTAAGG>C]TAAGCAGTATTGTATATGAGATACCTGATTAGTTTTAGTTTATATTCAGTTTATATTCAG-3'

ClinVar aggregate classification (germline): Likely pathogenic (1 of 4 stars; one submission).

Conditions:
STXBP3-related disorders.

Submission:

Molecular Genetics Laboratory, Motol Hospital
Classification: Likely pathogenic for STXBP3-related disorders. Last evaluated: 2024-11-20. Review status: criteria provided, single submitter. Criteria: ACMG Guidelines, 2015. Collection method: clinical testing. Allele origin: de novo. Affected: yes. Observed: 1 variant allele.
Comment: The variant was confirmed to be of a de novo origin. Rare variants, including splice-site variants, affecting the STXBP3 gene are documented as a molecular cause of VEO-IBD, hearing loss and immune dysregulation (PMID:33891011;37153612;38280053). To conclude, the variant is classified as likely pathogenic (ACMG PVS1, PM2, PS2).

Literature cited by the submitters: PubMed 33891011; PubMed 37153612; PubMed 38280053.